The following is an entry in ClinVar:

ClinVar aggregate classification (germline): Uncertain significance (1 of 4 stars; one submission).

Allele frequency attached by ClinVar (database versions not stated): ExAC 0.00001; gnomAD exomes 0.00001.
gnomAD v4.1: 10 of 1,612,736 alleles (0.00062%); highest among the groups gnomAD compares: African/African-American, 0.0013%; no homozygotes.

Submission:

Labcorp Genetics (formerly Invitae), Labcorp
Classification: Uncertain significance. Last evaluated: 2023-03-15. Review status: criteria provided, single submitter. Criteria: Invitae Variant Classification Sherloc (09022015). Collection method: clinical testing. Allele origin: germline.
Comment: In summary, the available evidence is currently insufficient to determine the role of this variant in disease. Therefore, it has been classified as a Variant of Uncertain Significance. Algorithms developed to predict the effect of missense changes on protein structure and function output the following: SIFT: "Not Available"; PolyPhen-2: "Benign"; Align-GVGD: "Not Available". The asparagine amino acid residue is found in multiple mammalian species, which suggests that this missense change does not adversely affect protein function. This variant has not been reported in the literature in individuals affected with RFWD3-related conditions. This variant is present in population databases (rs747901662, gnomAD 0.007%). This sequence change replaces aspartic acid, which is acidic and polar, with asparagine, which is neutral and polar, at codon 388 of the RFWD3 protein (p.Asp388Asn).

NM_018124.4(RFWD3):c.1162G>A (p.Asp388Asn)

Gene: RFWD3 (ring finger and WD repeat domain 3; minus strand). Cytogenetic location: 16q23.1.
Variant type: single nucleotide variant.
Coding change: c.1162G>A on transcript NM_018124.4 (MANE Select); coding-DNA position 1162, G replaced by A.
Protein change: p.Asp388Asn; replaces aspartic acid 388 with asparagine.
Molecular consequence: missense variant.
Genome position (GRCh38, 1-based): chr16:74,637,888, C>T on the plus strand (G>A on the coding strand, the complement: RFWD3 is on the minus strand). VCF-style: chr16-74637888-C-T. GRCh37 (hg19) VCF-style: chr16-74671786-C-T.
Other names: c.1162G>A, p.Asp388Asn (NM_001370534.1, NM_001370535.1, NM_001370536.1); c.328G>A, p.Asp110Asn (NM_001370537.1, NM_001370539.1, NM_001370540.1 and 3 more transcripts); short protein forms D388N, D110N.
Identifiers: ClinVar variation 2807222 (VCV002807222.3), dbSNP rs747901662, ClinGen allele CA8169302.